The following is an entry in ClinVar:

ClinVar aggregate classification (germline): Uncertain significance (1 of 4 stars; one submission).

Conditions:
NLRC4-related disorder. Also called: NLRC4-related condition.

Submission:

PreventionGenetics, part of Exact Sciences
Classification: Uncertain significance for NLRC4-related condition. Last evaluated: 2022-10-11. Review status: criteria provided, single submitter. Criteria: ACMG Guidelines, 2015. Collection method: clinical testing. Allele origin: germline.
Comment: The NLRC4 c.1902C>G variant is predicted to result in the amino acid substitution p.Ile634Met. To our knowledge, this variant has not been reported in the literature or in a large population database, indicating this variant is rare. At this time, the clinical significance of this variant is uncertain due to the absence of conclusive functional and genetic evidence.

NM_001199138.2(NLRC4):c.1902C>G (p.Ile634Met)

Gene: NLRC4 (NLR family CARD domain containing 4; minus strand). Cytogenetic location: 2p22.3.
Variant type: single nucleotide variant.
Coding change: c.1902C>G on transcript NM_001199138.2 (MANE Select); coding-DNA position 1902, C replaced by G.
Protein change: p.Ile634Met; replaces isoleucine 634 with methionine.
Molecular consequence: missense variant. On other transcripts: intron variant (1).
Genome position (GRCh38, 1-based): chr2:32,249,962, G>C on the plus strand (C>G on the coding strand, the complement: NLRC4 is on the minus strand). VCF-style: chr2-32249962-G-C. GRCh37 (hg19) VCF-style: chr2-32475031-G-C.
Other names: c.1902C>G, p.Ile634Met (NM_001199139.2, NM_021209.5); c.262+2457C>G (NM_001302504.1); short protein forms I634M.
Identifiers: ClinVar variation 2628951 (VCV002628951.1), dbSNP rs894226138, ClinGen allele CA346511450.